The following is an entry in ClinVar:

NM_006231.4(POLE):c.5345A>C (p.Tyr1782Ser)

Gene: POLE (DNA polymerase epsilon, catalytic subunit; minus strand). Cytogenetic location: 12q24.33.
Variant type: single nucleotide variant.
Coding change: c.5345A>C on transcript NM_006231.4 (MANE Select); coding-DNA position 5345, A replaced by C.
Protein change: p.Tyr1782Ser; replaces tyrosine 1782 with serine.
Molecular consequence: missense variant.
Genome position (GRCh38, 1-based): chr12:132,641,680, T>G on the plus strand (A>C on the coding strand, the complement: POLE is on the minus strand). VCF-style: chr12-132641680-T-G. GRCh37 (hg19) VCF-style: chr12-133218266-T-G.
Other names: c.5345A>C (NM_006231.2); short protein forms Y1782S.
Identifiers: ClinVar variation 1413611 (VCV001413611.7), dbSNP rs1365071731, ClinGen allele CA387375809.
Genomic context (GRCh38, chr12:132,641,680, plus strand): 5'-AACACTCCTTCCCAGAGAGGGTGGCACCTGAAGGTGTTAGAGCACAGGGCTGTCTCATCG[T>G]AGCTGGCCGGGGCACTGGCAGCCTGACCACCCGTGATCATGTCCTCCAGGGAGGCCTGCT-3'
Protein context (NP_006222.2, residues 1772-1792): GGQAASAPAS[Tyr1782Ser]DETALCSNTF

ClinVar aggregate classification (germline): Uncertain significance. Review status: criteria provided, multiple submitters, no conflicts (2 of 4 stars). 2 submissions from 2 submitters: Uncertain significance (2). Last evaluated 2024-03-28.

Conditions:
Hereditary cancer-predisposing syndrome. Also called: Hereditary Cancer Syndrome; Tumor predisposition; Hereditary neoplastic syndrome; Neoplastic Syndromes, Hereditary. Identifiers: Orphanet 140162, MedGen C0027672, MeSH D009386, MONDO:0015356.

Submissions (2):

Ambry Genetics
Classification: Uncertain significance for Hereditary cancer-predisposing syndrome. Last evaluated: 2024-03-28. Review status: criteria provided, single submitter. Criteria: Ambry Variant Classification Scheme 2023. Collection method: clinical testing. Allele origin: germline.
Comment: The p.Y1782S variant (also known as c.5345A>C), located in coding exon 39 of the POLE gene, results from an A to C substitution at nucleotide position 5345. The tyrosine at codon 1782 is replaced by serine, an amino acid with dissimilar properties. This amino acid position is conserved. In addition, this alteration is predicted to be deleterious by in silico analysis. Based on the available evidence, the clinical significance of this alteration remains unclear.

Labcorp Genetics (formerly Invitae), Labcorp
Classification: Uncertain significance. Last evaluated: 2021-11-17. Review status: criteria provided, single submitter. Criteria: Invitae Variant Classification Sherloc (09022015). Collection method: clinical testing. Allele origin: germline.
Comment: This sequence change replaces tyrosine, which is neutral and polar, with serine, which is neutral and polar, at codon 1782 of the POLE protein (p.Tyr1782Ser). This variant is not present in population databases (gnomAD no frequency). This variant has not been reported in the literature in individuals affected with POLE-related conditions. Algorithms developed to predict the effect of missense changes on protein structure and function are either unavailable or do not agree on the potential impact of this missense change (SIFT: "Deleterious"; PolyPhen-2: "Probably Damaging"; Align-GVGD: "Class C15"). In summary, the available evidence is currently insufficient to determine the role of this variant in disease. Therefore, it has been classified as a Variant of Uncertain Significance.